The following is an entry in ClinVar:

ClinVar aggregate classification (germline): Uncertain significance (1 of 4 stars; one submission).

Allele frequency attached by ClinVar (database versions not stated): gnomAD exomes below 0.00001; TOPMed below 0.00001; gnomAD 0.00001.
gnomAD v4.1: 1 of 1,605,680 alleles (0.000062%); highest among the groups gnomAD compares: Non-Finnish European, 0.000085%; no homozygotes.

Submission:

Labcorp Genetics (formerly Invitae), Labcorp
Classification: Uncertain significance. Last evaluated: 2022-08-16. Review status: criteria provided, single submitter. Criteria: Invitae Variant Classification Sherloc (09022015). Collection method: clinical testing. Allele origin: germline.
Comment: In summary, the available evidence is currently insufficient to determine the role of this variant in disease. Therefore, it has been classified as a Variant of Uncertain Significance. Algorithms developed to predict the effect of missense changes on protein structure and function output the following: SIFT: "Tolerated"; PolyPhen-2: "Benign"; Align-GVGD: "Class C0". The alanine amino acid residue is found in multiple mammalian species, which suggests that this missense change does not adversely affect protein function. ClinVar contains an entry for this variant (Variation ID: 1390447). This variant has not been reported in the literature in individuals affected with PLK4-related conditions. This variant is present in population databases (no rsID available, gnomAD 0.0009%). This sequence change replaces glutamic acid, which is acidic and polar, with alanine, which is neutral and non-polar, at codon 494 of the PLK4 protein (p.Glu494Ala).

NM_014264.5(PLK4):c.1481A>C (p.Glu494Ala)

Gene: PLK4 (polo like kinase 4; plus strand). Cytogenetic location: 4q28.1.
Variant type: single nucleotide variant.
Coding change: c.1481A>C on transcript NM_014264.5 (MANE Select); coding-DNA position 1481, A replaced by C.
Protein change: p.Glu494Ala; replaces glutamic acid 494 with alanine.
Molecular consequence: missense variant.
Genome position (GRCh38, 1-based): chr4:127,889,887, A>C. VCF-style: chr4-127889887-A-C. GRCh37 (hg19) VCF-style: chr4-128811042-A-C.
Other names: c.1385A>C, p.Glu462Ala (NM_001190799.2); c.1358A>C, p.Glu453Ala (NM_001190801.2); short protein forms E453A, E462A, E494A.
Identifiers: ClinVar variation 1390447 (VCV001390447.8), dbSNP rs1372670942, ClinGen allele CA358155435.